The following is an entry in ClinVar:

NM_000112.4(SLC26A2):c.909T>A (p.Cys303Ter)

Gene: SLC26A2 (solute carrier family 26 member 2; plus strand). Cytogenetic location: 5q32.
Variant type: single nucleotide variant.
Coding change: c.909T>A on transcript NM_000112.4 (MANE Select); coding-DNA position 909, T replaced by A.
Protein change: p.Cys303Ter; replaces cysteine 303 with a stop codon.
Molecular consequence: nonsense.
Genome position (GRCh38, 1-based): chr5:149,980,502, T>A. VCF-style: chr5-149980502-T-A. GRCh37 (hg19) VCF-style: chr5-149360065-T-A.
Other names: short protein forms C303*.
Identifiers: ClinVar variation 1995802 (VCV001995802.6), dbSNP rs1396120018, ClinGen allele CA361706541.

ClinVar aggregate classification (germline): Pathogenic/Likely pathogenic. Review status: criteria provided, multiple submitters, no conflicts (2 of 4 stars). 3 submissions from 3 submitters: Pathogenic (2); Likely pathogenic (1). Last evaluated 2025-02-05.

Conditions:
Achondrogenesis, type IB (ACG1B). Also called: Achondrogenesis Type 1B. Identifiers: Orphanet 932, Orphanet 93298, MedGen C0265274, MONDO:0010966, OMIM 600972.
Atelosteogenesis type II (AO2). Also called: NEONATAL OSSEOUS DYSPLASIA I; SLC26A2-Related Atelosteogenesis; Neonatal osseous dysplasia 1. Identifiers: Orphanet 56304, MedGen C1850554, MONDO:0009727, OMIM 256050.
Diastrophic dysplasia (DTD). Also called: Diastrophic dwarfism. Identifiers: Orphanet 628, MedGen C0220726, MONDO:0009107, OMIM 222600.
Multiple epiphyseal dysplasia type 4 (EDM4). Also called: Multiple Epiphyseal Dysplasia, Recessive; MULTIPLE EPIPHYSEAL DYSPLASIA WITH BILAYERED PATELLAE; MULTIPLE EPIPHYSEAL DYSPLASIA WITH CLUBFOOT; MULTIPLE EPIPHYSEAL DYSPLASIA, AUTOSOMAL RECESSIVE; SLC26A2-Related Multiple Epiphyseal Dysplasia. Identifiers: Orphanet 93307, MedGen C1847593, MONDO:0009189, OMIM 226900.

Submissions (3):

Labcorp Genetics (formerly Invitae), Labcorp
Classification: Pathogenic for Atelosteogenesis type II; Multiple epiphyseal dysplasia type 4; Achondrogenesis, type IB; Diastrophic dysplasia. Last evaluated: 2025-02-05. Review status: criteria provided, single submitter. Criteria: Invitae Variant Classification Sherloc (09022015). Collection method: clinical testing. Allele origin: germline.
Comment: This sequence change creates a premature translational stop signal (p.Cys303*) in the SLC26A2 gene. While this is not anticipated to result in nonsense mediated decay, it is expected to disrupt the last 437 amino acid(s) of the SLC26A2 protein. This variant is not present in population databases (gnomAD no frequency). This variant has not been reported in the literature in individuals affected with SLC26A2-related conditions. ClinVar contains an entry for this variant (Variation ID: 1995802). This variant disrupts a region of the SLC26A2 protein in which other variant(s) (p.Ala715Val) have been determined to be pathogenic (PMID: 21077204). This suggests that this is a clinically significant region of the protein, and that variants that disrupt it are likely to be disease-causing. For these reasons, this variant has been classified as Pathogenic.

Fulgent Genetics
Classification: Pathogenic for Diastrophic dysplasia; Multiple epiphyseal dysplasia type 4; Atelosteogenesis type II; Achondrogenesis, type IB. Last evaluated: 2024-04-05. Review status: criteria provided, single submitter. Criteria: ACMG Guidelines, 2015. Collection method: clinical testing. Allele origin: germline.

Baylor Genetics
Classification: Likely pathogenic for Achondrogenesis, type IB. Last evaluated: 2023-05-26. Review status: criteria provided, single submitter. Criteria: ACMG Guidelines, 2015. Collection method: clinical testing. Allele origin: unknown.

Literature cited by the submitters: PubMed 21077204 (cited by Labcorp Genetics (formerly Invitae), Labcorp).